The following is an entry in ClinVar:

NM_022916.6(VPS33A):c.1243G>T (p.Val415Leu)

Gene: VPS33A (VPS33A core subunit of CORVET and HOPS complexes; minus strand). Cytogenetic location: 12q24.31.
Variant type: single nucleotide variant.
Coding change: c.1243G>T on transcript NM_022916.6 (MANE Select); coding-DNA position 1243, G replaced by T.
Protein change: p.Val415Leu; replaces valine 415 with leucine.
Molecular consequence: missense variant.
Genome position (GRCh38, 1-based): chr12:122,238,646, C>A on the plus strand (G>T on the coding strand, the complement: VPS33A is on the minus strand). VCF-style: chr12-122238646-C-A. GRCh37 (hg19) VCF-style: chr12-122723193-C-A.
Other names: c.1210G>T, p.Val404Leu (NM_001351018.2); c.1195G>T, p.Val399Leu (NM_001351019.2); c.922G>T, p.Val308Leu (NM_001351020.2); short protein forms V308L, V399L, V415L, V404L.
Identifiers: ClinVar variation 1901237 (VCV001901237.5), dbSNP rs774697260, ClinGen allele CA244731950.

ClinVar aggregate classification (germline): Uncertain significance (1 of 4 stars; one submission).

gnomAD v4.1: 1 of 1,613,818 alleles (0.000062%); highest among the groups gnomAD compares: African/African-American, 0.0013%; no homozygotes.

Submission:

Labcorp Genetics (formerly Invitae), Labcorp
Classification: Uncertain significance. Last evaluated: 2022-09-01. Review status: criteria provided, single submitter. Criteria: Invitae Variant Classification Sherloc (09022015). Collection method: clinical testing. Allele origin: germline.
Comment: In summary, the available evidence is currently insufficient to determine the role of this variant in disease. Therefore, it has been classified as a Variant of Uncertain Significance. Algorithms developed to predict the effect of missense changes on protein structure and function (SIFT, PolyPhen-2, Align-GVGD) all suggest that this variant is likely to be tolerated. This variant has not been reported in the literature in individuals affected with VPS33A-related conditions. This variant is not present in population databases (gnomAD no frequency). This sequence change replaces valine, which is neutral and non-polar, with leucine, which is neutral and non-polar, at codon 415 of the VPS33A protein (p.Val415Leu).